The following is an entry in ClinVar:

ClinVar aggregate classification (germline): Uncertain significance (1 of 4 stars; one submission).

Conditions:
Encephalopathy, acute, infection-induced (herpes-specific), susceptibility to, 1. Also called: Herpes simplex encephalitis, susceptibility to, 1. Identifiers: Orphanet 1930, MedGen C2750180, MONDO:0024563, OMIM 610551.

Submission:

Labcorp Genetics (formerly Invitae), Labcorp
Classification: Uncertain significance for Encephalopathy, acute, infection-induced (herpes-specific), susceptibility to, 1. Last evaluated: 2023-07-17. Review status: criteria provided, single submitter. Criteria: Invitae Variant Classification Sherloc (09022015). Collection method: clinical testing. Allele origin: germline.
Comment: In summary, the available evidence is currently insufficient to determine the role of this variant in disease. Therefore, it has been classified as a Variant of Uncertain Significance. This variant has not been reported in the literature in individuals affected with UNC93B1-related conditions. This variant results in a copy number gain of the genomic region encompassing exon(s) 10 of the UNC93B1 gene. This copy number gain extends beyond the assayed region for this gene and therefore may encompass additional genes. As the precise location of this event is unknown, it may be in tandem or it may be located elsewhere in the genome.

NC_000011.9:g.(?_67761127)_(67761285_?)dup

Gene: UNC93B1 (unc-93B1 regulator of TLR signaling; minus strand). Cytogenetic location: 11q13.2.
Variant type: Duplication.
Identifiers: ClinVar variation 2426954 (VCV002426954.5).